The following is an entry in ClinVar:

ClinVar aggregate classification (germline): Uncertain significance (1 of 4 stars; one submission).

Allele frequency attached by ClinVar (database versions not stated): gnomAD 0.00002; TOPMed 0.00002; 1000 Genomes Project 30x 0.00031; ExAC 0.00005; 1000 Genomes Project 0.00020.
gnomAD v4.1: 37 of 1,613,890 alleles (0.0023%); highest among the groups gnomAD compares: Admixed American, 0.018%; 1 homozygote.

Submissions (2):

Labcorp Genetics (formerly Invitae), Labcorp
Classification: Uncertain significance. Last evaluated: 2025-10-02. Review status: criteria provided, single submitter. Criteria: Invitae Variant Classification Sherloc (09022015). Collection method: clinical testing. Allele origin: germline.
Comment: This sequence change replaces alanine, which is neutral and non-polar, with valine, which is neutral and non-polar, at codon 1272 of the LAMC3 protein (p.Ala1272Val). This variant is present in population databases (rs146180154, gnomAD 0.02%), including at least one homozygous and/or hemizygous individual. This variant has not been reported in the literature in individuals affected with LAMC3-related conditions. ClinVar contains an entry for this variant (Variation ID: 1990418). An algorithm developed to predict the effect of missense changes on protein structure and function outputs the following: PolyPhen-2: "Benign". The valine amino acid residue is found in multiple mammalian species, which suggests that this missense change does not adversely affect protein function. In summary, the available evidence is currently insufficient to determine the role of this variant in disease. Therefore, it has been classified as a Variant of Uncertain Significance.

Dr. Peter K. Rogan Lab, Western University
No classification provided (evidence only). Condition: Colon adenocarcinoma. Review status: no classification provided. Collection method: in vitro. Allele origin: not applicable. Functional consequence: retained intron. Not counted in ClinVar's aggregate classification.

NM_006059.4(LAMC3):c.3815C>T (p.Ala1272Val)

Gene: LAMC3 (laminin subunit gamma 3; plus strand). Cytogenetic location: 9q34.12.
Variant type: single nucleotide variant.
Coding change: c.3815C>T on transcript NM_006059.4 (MANE Select); coding-DNA position 3815, C replaced by T.
Protein change: p.Ala1272Val; replaces alanine 1272 with valine.
Molecular consequence: missense variant.
Genome position (GRCh38, 1-based): chr9:131,079,186, C>T. VCF-style: chr9-131079186-C-T. GRCh37 (hg19) VCF-style: chr9-133954573-C-T.
Other names: short protein forms A1272V.
Identifiers: ClinVar variation 1990418 (VCV001990418.4), dbSNP rs146180154, ClinGen allele CA5287961.